The following is an entry in ClinVar:

ClinVar aggregate classification (germline): Benign/Likely benign. Review status: criteria provided, multiple submitters, no conflicts (2 of 4 stars). 4 submissions from 4 submitters: Benign (1); Likely benign (3). Last evaluated 2026-01-31.

Conditions:
LRP5-related disorder. Also called: LRP5-related condition.

Allele frequency attached by ClinVar (database versions not stated): gnomAD 0.00001; gnomAD exomes 0.00006 and 0.00027; TOPMed 0.00009; 1000 Genomes Project 30x 0.00016; ExAC 0.00026.
gnomAD v4.1: 81 of 1,614,168 alleles (0.005%); highest among the groups gnomAD compares: Admixed American, 0.12%; no homozygotes.

Submissions (4):

Labcorp Genetics (formerly Invitae), Labcorp
Classification: Likely benign. Last evaluated: 2026-01-31. Review status: criteria provided, single submitter. Criteria: Invitae Variant Classification Sherloc (09022015). Collection method: clinical testing. Allele origin: germline.

PreventionGenetics, part of Exact Sciences
Classification: Likely benign for LRP5-related condition. Last evaluated: 2024-12-06. Review status: criteria provided, single submitter. Criteria: ACMG Guidelines, 2015. Collection method: clinical testing. Allele origin: germline.
Comment: This variant is classified as likely benign based on ACMG/AMP sequence variant interpretation guidelines (Richards et al. 2015 PMID: 25741868, with internal and published modifications).

Women's Health and Genetics/Laboratory Corporation of America, LabCorp
Classification: Benign. Last evaluated: 2024-06-26. Review status: criteria provided, single submitter. Criteria: LabCorp Variant Classification Summary - May 2015. Collection method: clinical testing. Allele origin: germline.

Blueprint Genetics
Classification: Likely benign. Last evaluated: 2022-08-27. Review status: criteria provided, single submitter. Criteria: ACMG Guidelines, 2015. Collection method: clinical testing. Allele origin: germline.

NM_002335.4(LRP5):c.2964C>T (p.Asp988=)

Gene: LRP5 (LDL receptor related protein 5; plus strand). Cytogenetic location: 11q13.2.
Variant type: single nucleotide variant.
Coding change: c.2964C>T on transcript NM_002335.4 (MANE Select); coding-DNA position 2964, C replaced by T.
Protein change: p.Asp988=; no amino-acid change (aspartic acid 988 retained).
Molecular consequence: synonymous variant.
Genome position (GRCh38, 1-based): chr11:68,416,464, C>T. VCF-style: chr11-68416464-C-T. GRCh37 (hg19) VCF-style: chr11-68183932-C-T.
Other names: c.1221C>T, p.Asp407= (NM_001291902.2).
Identifiers: ClinVar variation 747074 (VCV000747074.14), dbSNP rs200117377, ClinGen allele CA6149798.